The following is an entry in ClinVar:

ClinVar aggregate classification (germline): Uncertain significance (1 of 4 stars; one submission).

Conditions:
Deficiency of 2-methylbutyryl-CoA dehydrogenase (ACADSB). Also called: 2-methylbutyryl-CoA dehydrogenase deficiency; SBCAD deficiency; 2-methylbutyric aciduria; Short branched-chain acyl-CoA dehydrogenase deficiency; 2-methylbutyrylglycinuria. Identifiers: Orphanet 79157, MedGen C1864912, MONDO:0012392, OMIM 610006, HP:0020147.

Allele frequency attached by ClinVar (database versions not stated): TOPMed 0.00002.
gnomAD v4.1: 2 of 1,614,180 alleles (0.00012%); highest among the groups gnomAD compares: Admixed American, 0.0033%; no homozygotes.

Submission:

Baylor Genetics
Classification: Uncertain significance for Deficiency of 2-methylbutyryl-CoA dehydrogenase. Last evaluated: 2019-02-15. Review status: criteria provided, single submitter. Criteria: ACMG Guidelines, 2015. Collection method: clinical testing. Allele origin: paternal. Affected: yes.
Comment: This variant was determined to be of uncertain significance according to ACMG Guidelines, 2015 [PMID:25741868].

NM_001609.4(ACADSB):c.640G>T (p.Ala214Ser)

Gene: ACADSB (acyl-CoA dehydrogenase short/branched chain; plus strand). Cytogenetic location: 10q26.13.
Variant type: single nucleotide variant.
Coding change: c.640G>T on transcript NM_001609.4 (MANE Select); coding-DNA position 640, G replaced by T.
Protein change: p.Ala214Ser; replaces alanine 214 with serine.
Molecular consequence: missense variant.
Genome position (GRCh38, 1-based): chr10:123,041,338, G>T. VCF-style: chr10-123041338-G-T. GRCh37 (hg19) VCF-style: chr10-124800854-G-T.
Other names: c.334G>T, p.Ala112Ser (NM_001330174.3); short protein forms A112S, A214S.
Identifiers: ClinVar variation 1029359 (VCV001029359.1), dbSNP rs145529589, ClinGen allele CA5730758.
Genomic context (GRCh38, chr10:123,041,338, plus strand): 5'-AAAGAGGGAGATTATTATGTCCTCAATGGATCAAAGATGTGGATCAGCAGTGCTGAGCAC[G>T]CAGGGCTCTTTCTGGTGATGGCAAATGTAGACCCTACCATTGTAAGTTTGAAAACGAAAT-3'
Protein context (NP_001600.1, residues 204-224): SKMWISSAEH[Ala214Ser]GLFLVMANVD